The following is an entry in ClinVar:

ClinVar aggregate classification (germline): Likely pathogenic (1 of 4 stars; one submission).

Conditions:
Pallister-Hall syndrome (PHS). Also called: GLI3-Related Pallister-Hall Syndrome; HYPOTHALAMIC HAMARTOBLASTOMA, HYPOPITUITARISM, IMPERFORATE ANUS, AND POSTAXIAL POLYDACTYLY. Identifiers: Orphanet 672, MedGen C0265220, MONDO:0007804, OMIM 146510.
Greig cephalopolysyndactyly syndrome (GCPS). Also called: POLYSYNDACTYLY WITH PECULIAR SKULL SHAPE; Greig syndrome; GLI3-Related Greig Cephalopolysyndactyly Syndrome. Identifiers: Orphanet 380, MedGen C0265306, MONDO:0008287, OMIM 175700.

Submission:

Labcorp Genetics (formerly Invitae), Labcorp
Classification: Likely pathogenic for Pallister-Hall syndrome; Greig cephalopolysyndactyly syndrome. Last evaluated: 2021-04-22. Review status: criteria provided, single submitter. Criteria: Invitae Variant Classification Sherloc (09022015). Collection method: clinical testing. Allele origin: germline.
Comment: In summary, the currently available evidence indicates that the variant is pathogenic, but additional data are needed to prove that conclusively. Therefore, this variant has been classified as Likely Pathogenic. This variant has been observed in individual(s) with GLI3-related conditions (Invitae). This variant results in a copy number gain of the genomic region encompassing exon(s) 8-10 of the GLI3 gene. While the exact position of this variant cannot be determined from the data, sub-genic copy number gains are generally in tandem (PMID: 25640679). This variant is predicted to be out-of-frame, and may result in an absent or disrupted protein product. Loss-of-function variants in GLI3 are known to be pathogenic (PMID: 10441570, 15739154, 18000979, 24736735).

Literature cited by the submitters: PubMed 25640679; PubMed 10441570; PubMed 15739154; PubMed 18000979; PubMed 24736735.

NC_000007.13:g.(?_42063047)_(42066031_?)dup

Gene: GLI3 (GLI family zinc finger 3; minus strand). Cytogenetic location: 7p14.1.
Variant type: Duplication.
Identifiers: ClinVar variation 1348269 (VCV001348269.6).